The following is an entry in ClinVar:

NM_031471.6(FERMT3):c.1501G>A (p.Gly501Ser)

Gene: FERMT3 (FERM domain containing kindlin 3; plus strand). Cytogenetic location: 11q13.1.
Variant type: single nucleotide variant.
Coding change: c.1501G>A on transcript NM_031471.6 (MANE Select); coding-DNA position 1501, G replaced by A.
Protein change: p.Gly501Ser; replaces glycine 501 with serine.
Molecular consequence: missense variant.
Genome position (GRCh38, 1-based): chr11:64,220,625, G>A. VCF-style: chr11-64220625-G-A. GRCh37 (hg19) VCF-style: chr11-63988097-G-A.
Other names: c.1501G>A, p.Gly501Ser (NM_001382361.1, NM_001382448.1); c.1513G>A, p.Gly505Ser (NM_001382362.1, NM_178443.3); c.961G>A, p.Gly321Ser (NM_001382363.1); c.973G>A, p.Gly325Ser (NM_001382364.1); short protein forms G321S, G325S, G505S, G501S.
Identifiers: ClinVar variation 938442 (VCV000938442.6), dbSNP rs142543888, ClinGen allele CA6069180.

ClinVar aggregate classification (germline): Uncertain significance (1 of 4 stars; one submission).

Conditions:
Leukocyte adhesion deficiency 3. Also called: INTEGRIN ACTIVATION DEFICIENCY DISEASE; LEUKOCYTE ADHESION DEFICIENCY 1 VARIANT; Leukocyte adhesion deficiency, type III. Identifiers: Orphanet 2968, Orphanet 99844, MedGen C2748536, MONDO:0013016, OMIM 612840.

Allele frequency attached by ClinVar (database versions not stated): TOPMed below 0.00001; gnomAD 0.00002 and 0.00004; gnomAD exomes 0.00003 and 0.00004; ExAC 0.00008; 1000 Genomes Project 30x 0.00016; 1000 Genomes Project 0.00020.
gnomAD v4.1: 52 of 1,611,692 alleles (0.0032%); highest among the groups gnomAD compares: East Asian, 0.047%; 1 homozygote.

Submission:

Labcorp Genetics (formerly Invitae), Labcorp
Classification: Uncertain significance for Leukocyte adhesion deficiency 3. Last evaluated: 2022-06-27. Review status: criteria provided, single submitter. Criteria: Invitae Variant Classification Sherloc (09022015). Collection method: clinical testing. Allele origin: germline.
Comment: This sequence change replaces glycine, which is neutral and non-polar, with serine, which is neutral and polar, at codon 501 of the FERMT3 protein (p.Gly501Ser). This variant is present in population databases (rs142543888, gnomAD 0.04%). This variant has not been reported in the literature in individuals affected with FERMT3-related conditions. ClinVar contains an entry for this variant (Variation ID: 938442). Algorithms developed to predict the effect of missense changes on protein structure and function (SIFT, PolyPhen-2, Align-GVGD) all suggest that this variant is likely to be tolerated. Algorithms developed to predict the effect of sequence changes on RNA splicing suggest that this variant may create or strengthen a splice site. In summary, the available evidence is currently insufficient to determine the role of this variant in disease. Therefore, it has been classified as a Variant of Uncertain Significance.